The following is an entry in ClinVar:

ClinVar aggregate classification (germline): Likely benign. Review status: criteria provided, multiple submitters, no conflicts (2 of 4 stars). 2 submissions from 2 submitters: Likely benign (2). Last evaluated 2024-01-30.

Conditions:
Dilated cardiomyopathy 1G (CMD1G). Identifiers: Orphanet 154, MedGen C1858763, MONDO:0011400, OMIM 604145.
Autosomal recessive limb-girdle muscular dystrophy type 2J (LGMDR10). Also called: Limb-girdle muscular dystrophy, type 2J; MUSCULAR DYSTROPHY, LIMB-GIRDLE, AUTOSOMAL RECESSIVE 10. Identifiers: Orphanet 140922, MedGen C1837342, MONDO:0012127, OMIM 608807.

Allele frequency attached by ClinVar (database versions not stated): gnomAD 0.00001.
gnomAD v4.1: 3 of 1,613,570 alleles (0.00019%); highest among the groups gnomAD compares: African/African-American, 0.004%; no homozygotes.

Submissions (2):

Labcorp Genetics (formerly Invitae), Labcorp
Classification: Likely benign for Dilated cardiomyopathy 1G; Autosomal recessive limb-girdle muscular dystrophy type 2J. Last evaluated: 2024-01-30. Review status: criteria provided, single submitter. Criteria: Invitae Variant Classification Sherloc (09022015). Collection method: clinical testing. Allele origin: germline.

GeneDx
Classification: Likely benign. Last evaluated: 2018-01-23. Review status: criteria provided, single submitter. Criteria: GeneDx Variant Classification (06012015). Collection method: clinical testing. Allele origin: germline. Affected: yes.
Comment: This variant is considered likely benign or benign based on one or more of the following criteria: it is a conservative change, it occurs at a poorly conserved position in the protein, it is predicted to be benign by multiple in silico algorithms, and/or has population frequency not consistent with disease.

NM_001267550.2(TTN):c.91632T>G (p.Leu30544=)

Genes: TTN (titin; minus strand), TTN-AS1 (TTN antisense RNA 1; plus strand). Cytogenetic location: 2q31.2.
Variant type: single nucleotide variant.
Coding change: c.91632T>G on transcript NM_001267550.2 (MANE Select); coding-DNA position 91632, T replaced by G.
Protein change: p.Leu30544=; no amino-acid change (leucine 30544 retained).
Molecular consequence: synonymous variant.
Genome position (GRCh38, 1-based): chr2:178,550,206, A>C on the plus strand (T>G on the coding strand, the complement: TTN is on the minus strand). VCF-style: chr2-178550206-A-C. GRCh37 (hg19) VCF-style: chr2-179414933-A-C.
Other names: c.86709T>G, p.Leu28903= (NM_001256850.1); c.64437T>G, p.Leu21479= (NM_003319.4); c.83928T>G, p.Leu27976= (NM_133378.4); c.64812T>G, p.Leu21604= (NM_133432.3); c.65013T>G, p.Leu21671= (NM_133437.4).
Identifiers: ClinVar variation 506739 (VCV000506739.4), dbSNP rs909346656, ClinGen allele CA60976257.